The following is an entry in ClinVar:

NM_001243279.3(ACSF3):c.822+2T>C

Gene: ACSF3 (acyl-CoA synthetase family member 3; plus strand). Cytogenetic location: 16q24.3.
Variant type: single nucleotide variant.
Coding change: c.822+2T>C on transcript NM_001243279.3 (MANE Select); the canonical splice donor site of the intron after coding-DNA position 822, T replaced by C.
Molecular consequence: splice donor variant.
Genome position (GRCh38, 1-based): chr16:89,102,761, T>C. VCF-style: chr16-89102761-T-C. GRCh37 (hg19) VCF-style: chr16-89169169-T-C.
Other names: c.822+2T>C (NM_001127214.4, NM_174917.5); c.27+2T>C (NM_001284316.2).
Identifiers: ClinVar variation 1519754 (VCV001519754.7), dbSNP rs1975502704, ClinGen allele CA397138125.
Genomic context (GRCh38, chr16:89,102,761, plus strand): 5'-TCTGTCCTCTCTGGGTGGGAGCCACCTGTGTGATGATGCCTGAGTTCAGCCCTCAGCAGG[T>C]GAGTTGGGGTCAGGGCTCTCGGTTGCACCCTCAGACTAGGCGCCTTTCCCCTGTCGGGGC-3'

ClinVar aggregate classification (germline): Likely pathogenic. Review status: criteria provided, multiple submitters, no conflicts (2 of 4 stars). 2 submissions from 2 submitters: Likely pathogenic (2). Last evaluated 2023-07-13.

Conditions:
Combined malonic and methylmalonic acidemia. Identifiers: Orphanet 289504, MedGen C3280314, MONDO:0013661, OMIM 614265.

Allele frequency attached by ClinVar (database versions not stated): gnomAD exomes below 0.00001.
gnomAD v4.1: 2 of 1,611,954 alleles (0.00012%); highest among the groups gnomAD compares: Non-Finnish European, 0.00017%; no homozygotes.

Submissions (2):

Labcorp Genetics (formerly Invitae), Labcorp
Classification: Likely pathogenic for Combined malonic and methylmalonic acidemia. Last evaluated: 2023-07-13. Review status: criteria provided, single submitter. Criteria: Invitae Variant Classification Sherloc (09022015). Collection method: clinical testing. Allele origin: germline.
Comment: This sequence change affects a donor splice site in intron 4 of the ACSF3 gene. It is expected to disrupt RNA splicing. Variants that disrupt the donor or acceptor splice site typically lead to a loss of protein function (PMID: 16199547), and loss-of-function variants in ACSF3 are known to be pathogenic (PMID: 21841779, 26827111). This variant is not present in population databases (gnomAD no frequency). This variant has not been reported in the literature in individuals affected with ACSF3-related conditions. ClinVar contains an entry for this variant (Variation ID: 1519754). Algorithms developed to predict the effect of sequence changes on RNA splicing suggest that this variant may disrupt the consensus splice site. In summary, the currently available evidence indicates that the variant is pathogenic, but additional data are needed to prove that conclusively. Therefore, this variant has been classified as Likely Pathogenic.

Baylor Genetics
Classification: Likely pathogenic for Combined malonic and methylmalonic acidemia. Last evaluated: 2022-11-30. Review status: criteria provided, single submitter. Criteria: ACMG Guidelines, 2015. Collection method: clinical testing. Allele origin: unknown.

Literature cited by the submitters: PubMed 16199547 (cited by Labcorp Genetics (formerly Invitae), Labcorp); PubMed 21841779 (cited by Labcorp Genetics (formerly Invitae), Labcorp); PubMed 26827111 (cited by Labcorp Genetics (formerly Invitae), Labcorp).